The following is an entry in ClinVar:

ClinVar aggregate classification (germline): Uncertain significance (1 of 4 stars; one submission).

Conditions:
Familial thoracic aortic aneurysm and aortic dissection (TAAD). Also called: Thoracic aortic aneurysms and dissections. Identifiers: Orphanet 91387, MedGen C4707243, MONDO:0019625.

Submission:

Ambry Genetics
Classification: Uncertain significance for Familial thoracic aortic aneurysm and aortic dissection. Last evaluated: 2023-04-03. Review status: criteria provided, single submitter. Criteria: Ambry Variant Classification Scheme 2023. Collection method: clinical testing. Allele origin: germline.
Comment: The c.313_314delGCinsTT variant, located in coding exon 2 of the SMAD3 gene, results from an in-frame deletion of GC and insertion of TT at nucleotide positions 313 to 314. This results in the substitution of the alanine residue for a phenylalanine residue at codon 105, an amino acid with dissimilar properties. This amino acid position is highly conserved in available vertebrate species. In addition, the in silico prediction for this alteration is inconclusive (Choi Y et al. PLoS ONE. 2012; 7(10):e46688). Since supporting evidence is limited at this time, the clinical significance of this alteration remains unclear.

NM_005902.4(SMAD3):c.313_314delinsTT (p.Ala105Phe)

Gene: SMAD3 (SMAD family member 3; plus strand). Cytogenetic location: 15q22.33.
Variant type: Indel.
Coding change: c.313_314delinsTT on transcript NM_005902.4 (MANE Select); coding-DNA positions 313 to 314, GC replaced by TT.
Protein change: p.Ala105Phe; replaces alanine 105 with phenylalanine.
Molecular consequence: missense variant. On other transcripts: 5 prime UTR variant (3).
Genome position (GRCh38, 1-based): chr15:67,165,001-67,165,002, GC replaced by TT. VCF-style: chr15-67165001-GC-TT. GRCh37 (hg19) VCF-style: chr15-67457339-GC-TT.
Other names: c.-3_-2delinsTT (NM_001145102.2, NM_001407015.1, NM_001407016.1); c.181_182delinsTT, p.Ala61Phe (NM_001145103.2); c.313_314delinsTT, p.Ala105Phe (NM_001407011.1, NM_001407012.1, NM_001407013.1); c.166_167delinsTT, p.Ala56Phe (NM_001407014.1); short protein forms A56F, A105F, A61F.
Identifiers: ClinVar variation 2566747 (VCV002566747.2), dbSNP rs2505210377, ClinGen allele CA2580613860.
Genomic context (GRCh38, chr15:67,165,001, plus strand): 5'-CATGTCATCTACTGCCGCCTGTGGCGATGGCCAGACCTGCACAGCCACCACGAGCTACGG[GC>TT]CATGGAGCTGTGTGAGTTCGCCTTCAATATGAAGAAGGACGAGGTCTGCGTGAATCCCTA-3'
Protein context (NP_005893.1, residues 95-115): PDLHSHHELR[Ala105Phe]MELCEFAFNM